The following is an entry in ClinVar:

NM_001017995.3(SH3PXD2B):c.632G>A (p.Gly211Glu)

Gene: SH3PXD2B (SH3 and PX domains 2B; minus strand). Cytogenetic location: 5q35.1.
Variant type: single nucleotide variant.
Coding change: c.632G>A on transcript NM_001017995.3 (MANE Select); coding-DNA position 632, G replaced by A.
Protein change: p.Gly211Glu; replaces glycine 211 with glutamic acid.
Molecular consequence: missense variant.
Genome position (GRCh38, 1-based): chr5:172,358,808, C>T on the plus strand (G>A on the coding strand, the complement: SH3PXD2B is on the minus strand). VCF-style: chr5-172358808-C-T. GRCh37 (hg19) VCF-style: chr5-171785812-C-T.
Other names: c.632G>A, p.Gly211Glu (NM_001308175.2); short protein forms G211E.
Identifiers: ClinVar variation 1511851 (VCV001511851.6), dbSNP rs1757337564, ClinGen allele CA362143603.

ClinVar aggregate classification (germline): Uncertain significance (1 of 4 stars; one submission).

Submission:

Labcorp Genetics (formerly Invitae), Labcorp
Classification: Uncertain significance. Last evaluated: 2022-08-15. Review status: criteria provided, single submitter. Criteria: Invitae Variant Classification Sherloc (09022015). Collection method: clinical testing. Allele origin: germline.
Comment: This variant has not been reported in the literature in individuals affected with SH3PXD2B-related conditions. This sequence change replaces glycine, which is neutral and non-polar, with glutamic acid, which is acidic and polar, at codon 211 of the SH3PXD2B protein (p.Gly211Glu). This variant is not present in population databases (gnomAD no frequency). ClinVar contains an entry for this variant (Variation ID: 1511851). Algorithms developed to predict the effect of missense changes on protein structure and function (SIFT, PolyPhen-2, Align-GVGD) all suggest that this variant is likely to be tolerated. In summary, the available evidence is currently insufficient to determine the role of this variant in disease. Therefore, it has been classified as a Variant of Uncertain Significance.